The following is an entry in ClinVar:

ClinVar aggregate classification (germline): Likely benign. Review status: criteria provided, multiple submitters, no conflicts (2 of 4 stars). 4 submissions from 4 submitters: Likely benign (4). Last evaluated 2023-12-01.

Conditions:
Wilson disease (WND). Also called: Wilson's disease. Identifiers: Orphanet 905, MedGen C0019202, MONDO:0010200, OMIM 277900. Disease mechanism: loss of function.

Allele frequency attached by ClinVar (database versions not stated): gnomAD exomes 0.00002.
gnomAD v4.1: 15 of 1,614,018 alleles (0.00093%); highest among the groups gnomAD compares: Admixed American, 0.0083%; no homozygotes.

Submissions (4):

All of Us Research Program, National Institutes of Health
Classification: Likely benign for Wilson disease. Last evaluated: 2023-12-01. Review status: criteria provided, single submitter. Criteria: ACMG Guidelines, 2015. Collection method: clinical testing. Allele origin: germline. Inheritance: Autosomal recessive inheritance. Observed: 4 variant alleles, 4 heterozygotes.
Comment: This study involves interpretation of variants in research participants for the purpose of population health screening. Participant phenotype was not available at the time of variant classification. Additional details can be found in publication PMID: 35346344, PMCID: PMC8962531

Labcorp Genetics (formerly Invitae), Labcorp
Classification: Likely benign for Wilson disease. Last evaluated: 2023-10-22. Review status: criteria provided, single submitter. Criteria: Invitae Variant Classification Sherloc (09022015). Collection method: clinical testing. Allele origin: germline.

Color Diagnostics, LLC DBA Color Health
Classification: Likely benign for Wilson disease. Last evaluated: 2023-05-03. Review status: criteria provided, single submitter. Criteria: ACMG Guidelines, 2015. Collection method: clinical testing. Allele origin: germline.

CeGaT Center for Human Genetics Tuebingen
Classification: Likely benign. Last evaluated: 2023-05-01. Review status: criteria provided, single submitter. Criteria: CeGaT Center For Human Genetics Tuebingen Variant Classification Criteria Version 2. Collection method: clinical testing. Allele origin: germline. Affected: yes. Observed: 2 variant alleles.
Comment: ATP7B: BP4, BP7

NM_000053.4(ATP7B):c.1098C>T (p.Ala366=)

Gene: ATP7B (ATPase copper transporting beta; minus strand). Cytogenetic location: 13q14.3.
Variant type: single nucleotide variant.
Coding change: c.1098C>T on transcript NM_000053.4 (MANE Select); coding-DNA position 1098, C replaced by T.
Protein change: p.Ala366=; no amino-acid change (alanine 366 retained).
Molecular consequence: synonymous variant. On other transcripts: intron variant (1).
Genome position (GRCh38, 1-based): chr13:51,974,122, G>A on the plus strand (C>T on the coding strand, the complement: ATP7B is on the minus strand). VCF-style: chr13-51974122-G-A. GRCh37 (hg19) VCF-style: chr13-52548258-G-A.
Other names: c.1098C>T, p.Ala366= (NM_001005918.3, NM_001330578.2, NM_001330579.2); c.803-38C>T (NM_001243182.2).
Identifiers: ClinVar variation 1154338 (VCV001154338.36), dbSNP rs1430922191, ClinGen allele CA484024699.
Genomic context (GRCh38, chr13:51,974,122, plus strand): 5'-CCCTTCCAGTTGGGAGATCATGCCTTCAATGGAATGGACACAGGATGCACAGGTCATGCC[G>A]GCAATGGCAATCAGAGTGGTACTGCATGTGCCCTGGACCTGGTTTCTCGGTGGGGAGCCA-3'
Protein context (NP_000044.2, residues 356-376): GTCSTTLIAI[Ala366=]GMTCASCVHS